The following is an entry in ClinVar:

NM_001148.6(ANK2):c.891+5G>A

Gene: ANK2 (ankyrin 2; plus strand). Cytogenetic location: 4q26.
Variant type: single nucleotide variant.
Coding change: c.891+5G>A on transcript NM_001148.6 (MANE Select); 5 bases into the intron after coding-DNA position 891, G replaced by A.
Molecular consequence: intron variant.
Genome position (GRCh38, 1-based): chr4:113,242,214, G>A. VCF-style: chr4-113242214-G-A. GRCh37 (hg19) VCF-style: chr4-114163370-G-A.
Other names: c.879+5G>A (NM_001386186.2, NM_001386148.2, NM_001354269.3); c.855+5G>A (NM_001386187.2); c.849+5G>A (NM_001386147.1, NM_001386160.1, NM_001354261.2); c.828+5G>A (NM_001354254.2, NM_001354239.2, NM_001354252.2 and 14 more transcripts); c.804+5G>A (NM_001354249.2, NM_001354266.2, NM_001354276.2 and 16 more transcripts); c.936+5G>A (NM_001354241.2, NM_001386152.1, NM_001354237.2 and 5 more transcripts); c.891+5G>A (NM_001354225.2, NM_001354235.2, NM_001354246.2 and 9 more transcripts); c.942+5G>A (NM_001386174.1); and 1 more.
Identifiers: ClinVar variation 3371060 (VCV003371060.1).

ClinVar aggregate classification (germline): Uncertain significance (1 of 4 stars; one submission).

Submission:

GeneDx
Classification: Uncertain significance. Last evaluated: 2024-03-18. Review status: criteria provided, single submitter. Criteria: GeneDx Variant Classification Process June 2021. Collection method: clinical testing. Allele origin: germline. Affected: yes.
Comment: Intronic +5 splice site variant in a gene for which loss of function is a known mechanism of disease, and both splice predictors and evolutionary conservation support a deleterious effect, although in the absence of functional evidence the actual effect of this sequence change is unknown; Not observed at significant frequency in large population cohorts (gnomAD); Has not been previously published as pathogenic or benign to our knowledge